The following is an entry in ClinVar:

ClinVar aggregate classification (germline): Uncertain significance (1 of 4 stars; one submission).

Submission:

GeneDx
Classification: Uncertain significance. Last evaluated: 2022-01-06. Review status: criteria provided, single submitter. Criteria: GeneDx Variant Classification Process June 2021. Collection method: clinical testing. Allele origin: germline. Affected: yes.
Comment: Not observed at significant frequency in large population cohorts (gnomAD); In silico analysis supports that this missense variant has a deleterious effect on protein structure/function; Has not been previously published as pathogenic or benign to our knowledge

NM_001271.4(CHD2):c.2391C>G (p.Asp797Glu)

Gene: CHD2 (chromodomain helicase DNA binding protein 2; plus strand). Cytogenetic location: 15q26.1.
Variant type: single nucleotide variant.
Coding change: c.2391C>G on transcript NM_001271.4 (MANE Select); coding-DNA position 2391, C replaced by G.
Protein change: p.Asp797Glu; replaces aspartic acid 797 with glutamic acid.
Molecular consequence: missense variant.
Genome position (GRCh38, 1-based): chr15:92,972,303, C>G. VCF-style: chr15-92972303-C-G. GRCh37 (hg19) VCF-style: chr15-93515533-C-G.
Other names: short protein forms D797E.
Identifiers: ClinVar variation 1695633 (VCV001695633.2), dbSNP rs2141836188, ClinGen allele CA393893201.
Genomic context (GRCh38, chr15:92,972,303, plus strand): 5'-GGAATGTCTTTTAAATCTTCAGTCCCTCATAAGGAGCAGTGGGAAGTTGATTTTATTAGA[C>G]AAACTGTTGACAAGACTTCGAGAAAGGGGGAATCGAGTGCTTATCTTCTCTCAGATGGTG-3'
Protein context (NP_001262.3, residues 787-807): IRSSGKLILL[Asp797Glu]KLLTRLRERG